The following is an entry in ClinVar:

ClinVar aggregate classification (germline): Uncertain significance. Review status: criteria provided, multiple submitters, no conflicts (2 of 4 stars). 2 submissions from 2 submitters: Uncertain significance (2). Last evaluated 2022-11-08.

Allele frequency attached by ClinVar (database versions not stated): ExAC 0.00003; gnomAD 0.00003; TOPMed 0.00003.
gnomAD v4.1: 218 of 1,613,882 alleles (0.014%); highest among the groups gnomAD compares: Non-Finnish European, 0.018%; 1 homozygote.

Submissions (2):

Labcorp Genetics (formerly Invitae), Labcorp
Classification: Uncertain significance. Last evaluated: 2022-11-08. Review status: criteria provided, single submitter. Criteria: Invitae Variant Classification Sherloc (09022015). Collection method: clinical testing. Allele origin: germline.
Comment: In summary, the available evidence is currently insufficient to determine the role of this variant in disease. Therefore, it has been classified as a Variant of Uncertain Significance. Advanced modeling of protein sequence and biophysical properties (such as structural, functional, and spatial information, amino acid conservation, physicochemical variation, residue mobility, and thermodynamic stability) performed at Invitae indicates that this missense variant is not expected to disrupt KANK1 protein function. This variant has not been reported in the literature in individuals affected with KANK1-related conditions. This variant is present in population databases (rs773241903, gnomAD 0.005%). This sequence change replaces glycine, which is neutral and non-polar, with glutamic acid, which is acidic and polar, at codon 428 of the KANK1 protein (p.Gly428Glu).

Ambry Genetics
Classification: Uncertain significance. Last evaluated: 2021-12-16. Review status: criteria provided, single submitter. Criteria: Ambry Variant Classification Scheme 2023. Collection method: clinical testing. Allele origin: germline.

NM_015158.5(KANK1):c.1283G>A (p.Gly428Glu)

Gene: KANK1 (KN motif and ankyrin repeat domains 1; plus strand). Cytogenetic location: 9p24.3.
Variant type: single nucleotide variant.
Coding change: c.1283G>A on transcript NM_015158.5 (MANE Select); coding-DNA position 1283, G replaced by A.
Protein change: p.Gly428Glu; replaces glycine 428 with glutamic acid.
Molecular consequence: missense variant. On other transcripts: non-coding transcript variant (1).
Genome position (GRCh38, 1-based): chr9:712,049, G>A. VCF-style: chr9-712049-G-A. GRCh37 (hg19) VCF-style: chr9-712049-G-A.
Other names: c.1283G>A, p.Gly428Glu (NM_001256876.3, NM_001256877.3, NM_001354331.2 and 2 more transcripts); c.809G>A, p.Gly270Glu (NM_001354333.2, NM_001354335.2, NM_001354336.2 and 9 more transcripts); short protein forms G270E, G428E.
Identifiers: ClinVar variation 2081140 (VCV002081140.5), dbSNP rs773241903, ClinGen allele CA4960180.